The following is an entry in ClinVar:

ClinVar aggregate classification (germline): Likely pathogenic (1 of 4 stars; one submission).

Allele frequency attached by ClinVar (database versions not stated): TOPMed below 0.00001.

Submission:

GeneDx
Classification: Likely pathogenic. Last evaluated: 2015-06-04. Review status: criteria provided, single submitter. Criteria: GeneDx Variant Classification (06012015). Collection method: clinical testing. Allele origin: germline. Affected: yes.
Comment: The N410H variant has not been published as a pathogenic variant, or reported as a benign polymorphism to our knowledge. N410H is a semi-conservative amino acid substitution, which may impact secondary protein structure as these residues differ in some properties and in silico analysis predicts that this variant is probably damaging to the protein structure/function. Therefore, we interpreted this variant to be a strong candidate for a pathogenic variant

NM_025243.4(SLC19A3):c.1228A>C (p.Asn410His)

Gene: SLC19A3 (solute carrier family 19 member 3; minus strand). Cytogenetic location: 2q36.3.
Variant type: single nucleotide variant.
Coding change: c.1228A>C on transcript NM_025243.4 (MANE Select); coding-DNA position 1228, A replaced by C.
Protein change: p.Asn410His; replaces asparagine 410 with histidine.
Molecular consequence: missense variant.
Genome position (GRCh38, 1-based): chr2:227,688,252, T>G on the plus strand (A>C on the coding strand, the complement: SLC19A3 is on the minus strand). VCF-style: chr2-227688252-T-G. GRCh37 (hg19) VCF-style: chr2-228552968-T-G.
Other names: short protein forms N410H.
Identifiers: ClinVar variation 427109 (VCV000427109.2), dbSNP rs1085307963, ClinGen allele CA350875508.
Genomic context (GRCh38, chr2:227,688,252, plus strand): 5'-CTCTCTGATCTACTACAATCACAGTCATGATGGTCTGAATCACCAAGGCAATAAAGGTGT[T>G]GATTCCAAATACCAAGGCATAGCGTTCCACATTCAGATTAACTGCAATCTGAAATCTATC-3'
Protein context (NP_079519.1, residues 400-420): VERYALVFGI[Asn410His]TFIALVIQTI